The following is an entry in ClinVar:

ClinVar aggregate classification (germline): Benign/Likely benign. Review status: criteria provided, multiple submitters, no conflicts (2 of 4 stars). 4 submissions from 4 submitters: Benign (2); Likely benign (2). Last evaluated 2026-01-25.

Conditions:
Oroticaciduria. Also called: Orotic aciduria. Identifiers: Orphanet 30, MedGen C0268128, HP:0003218.
Hereditary orotic aciduria, type 1. Also called: Orotic aciduria type 1; Oroticaciduria 1. Identifiers: MedGen C0268130.

Allele frequency attached by ClinVar (database versions not stated): gnomAD exomes 0.00035 and 0.00083; ExAC 0.00096; gnomAD 0.00363 and 0.00389; 1000 Genomes Project 0.00379; ESP Exome Variant Server 0.00384; 1000 Genomes Project 30x 0.00390; TOPMed 0.00444.
gnomAD v4.1: 1,085 of 1,614,154 alleles (0.067%); highest among the groups gnomAD compares: African/African-American, 1.2%; 10 homozygotes.

Submissions (4):

Labcorp Genetics (formerly Invitae), Labcorp
Classification: Benign for Hereditary orotic aciduria, type 1. Last evaluated: 2026-01-25. Review status: criteria provided, single submitter. Criteria: Invitae Variant Classification Sherloc (09022015). Collection method: clinical testing. Allele origin: germline.

Blueprint Genetics
Classification: Benign. Last evaluated: 2024-09-04. Review status: criteria provided, single submitter. Criteria: ACMG Guidelines, 2015. Collection method: clinical testing. Allele origin: germline.

Illumina Laboratory Services, Illumina
Classification: Likely benign for Hereditary orotic aciduria. Last evaluated: 2018-01-13. Review status: criteria provided, single submitter. Criteria: ICSL Variant Classification Criteria 13 December 2019. Collection method: clinical testing. Allele origin: germline.
Comment: This variant was observed in the ICSL laboratory as part of a predisposition screen in an ostensibly healthy population. It had not been previously curated by ICSL or reported in the Human Gene Mutation Database (HGMD: prior to June 1st, 2018), and was therefore a candidate for classification through an automated scoring system. Utilizing variant allele frequency, disease prevalence and penetrance estimates, and inheritance mode, an automated score was calculated to assess if this variant is too frequent to cause the disease. Based on the score and internal cut-off values, a variant classified as likely benign is not then subjected to further curation. The score for this variant resulted in a classification of likely benign for this disease.

Breakthrough Genomics
Classification: Likely benign. Review status: criteria provided, single submitter. Criteria: ACMG Guidelines, 2015. Collection method: not provided. Allele origin: germline. Inheritance: Autosomal recessive inheritance. Affected: yes.

NM_000373.4(UMPS):c.21T>C (p.Ala7=)

Gene: UMPS (uridine monophosphate synthetase; plus strand). Cytogenetic location: 3q21.2.
Variant type: single nucleotide variant.
Coding change: c.21T>C on transcript NM_000373.4 (MANE Select); coding-DNA position 21, T replaced by C.
Protein change: p.Ala7=; no amino-acid change (alanine 7 retained).
Molecular consequence: synonymous variant. On other transcripts: non-coding transcript variant (2).
Genome position (GRCh38, 1-based): chr3:124,730,492, T>C. VCF-style: chr3-124730492-T-C. GRCh37 (hg19) VCF-style: chr3-124449339-T-C.
Identifiers: ClinVar variation 342927 (VCV000342927.17), dbSNP rs17843775, ClinGen allele CA2581558.